The following is an entry in ClinVar:

ClinVar aggregate classification (germline): Likely benign. Review status: criteria provided, multiple submitters, no conflicts (2 of 4 stars). 2 submissions from 2 submitters: Likely benign (2). Last evaluated 2023-08-06.

gnomAD v4.1: 7 of 1,613,796 alleles (0.00043%); highest among the groups gnomAD compares: Middle Eastern, 0.016%; no homozygotes.

Submissions (2):

Labcorp Genetics (formerly Invitae), Labcorp
Classification: Likely benign. Last evaluated: 2023-08-06. Review status: criteria provided, single submitter. Criteria: Invitae Variant Classification Sherloc (09022015). Collection method: clinical testing. Allele origin: germline.

CeGaT Center for Human Genetics Tuebingen
Classification: Likely benign. Last evaluated: 2022-12-01. Review status: criteria provided, single submitter. Criteria: CeGaT Center For Human Genetics Tuebingen Variant Classification Criteria Version 2. Collection method: clinical testing. Allele origin: germline. Affected: yes. Observed: 1 variant allele.
Comment: CARMIL2: PM2:Supporting, BP4, BP7

NM_001013838.3(CARMIL2):c.198G>A (p.Thr66=)

Gene: CARMIL2 (capping protein regulator and myosin 1 linker 2; plus strand). Cytogenetic location: 16q22.1.
Variant type: single nucleotide variant.
Coding change: c.198G>A on transcript NM_001013838.3 (MANE Select); coding-DNA position 198, G replaced by A.
Protein change: p.Thr66=; no amino-acid change (threonine 66 retained).
Molecular consequence: synonymous variant.
Genome position (GRCh38, 1-based): chr16:67,646,029, G>A. VCF-style: chr16-67646029-G-A. GRCh37 (hg19) VCF-style: chr16-67679932-G-A.
Other names: c.198G>A, p.Thr66= (NM_001317026.3).
Identifiers: ClinVar variation 1539695 (VCV001539695.31), dbSNP rs372198712, ClinGen allele CA495996544.